The following is an entry in ClinVar:

ClinVar aggregate classification (germline): Benign/Likely benign. Review status: criteria provided, multiple submitters, no conflicts (2 of 4 stars). 3 submissions from 3 submitters: Benign (1); Likely benign (2). Last evaluated 2025-04-23.

Conditions:
Hereditary cancer-predisposing syndrome. Also called: Hereditary Cancer Syndrome; Neoplastic Syndromes, Hereditary; Hereditary neoplastic syndrome; Tumor predisposition. Identifiers: Orphanet 140162, MedGen C0027672, MeSH D009386, MONDO:0015356.
Familial adenomatous polyposis 1 (FAP1). Also called: FAMILIAL ADENOMATOUS POLYPOSIS 1, ATTENUATED; POLYPOSIS, ADENOMATOUS INTESTINAL. Identifiers: MedGen C2713442, MONDO:0021056, OMIM 175100. Disease mechanism: loss of function.

Submissions (3):

Labcorp Genetics (formerly Invitae), Labcorp
Classification: Likely benign for Familial adenomatous polyposis 1. Last evaluated: 2025-04-23. Review status: criteria provided, single submitter. Criteria: Invitae Variant Classification Sherloc (09022015). Collection method: clinical testing. Allele origin: germline.

Myriad Genetics, Inc.
Classification: Benign for Familial adenomatous polyposis 1. Last evaluated: 2024-03-18. Review status: criteria provided, single submitter. Criteria: Myriad Autosomal Dominant, Autosomal Recessive and X-Linked Classification Criteria (2023). Collection method: clinical testing. Allele origin: unknown.
Comment: This variant is considered benign. This variant is a silent/synonymous amino acid change and it is not expected to impact splicing.

Ambry Genetics
Classification: Likely benign for Hereditary cancer-predisposing syndrome. Last evaluated: 2021-01-17. Review status: criteria provided, single submitter. Criteria: Ambry Variant Classification Scheme 2023. Collection method: clinical testing. Allele origin: germline.

NM_000038.6(APC):c.3456G>A (p.Gln1152=)

Gene: APC (APC regulator of Wnt signaling pathway; plus strand). Cytogenetic location: 5q22.2.
Variant type: single nucleotide variant.
Coding change: c.3456G>A on transcript NM_000038.6 (MANE Select); coding-DNA position 3456, G replaced by A.
Protein change: p.Gln1152=; no amino-acid change (glutamine 1152 retained).
Molecular consequence: synonymous variant.
Genome position (GRCh38, 1-based): chr5:112,839,050, G>A. VCF-style: chr5-112839050-G-A. GRCh37 (hg19) VCF-style: chr5-112174747-G-A.
Other names: c.3456G>A, p.Gln1152= (NM_001127510.3, NM_001354895.2); c.3402G>A, p.Gln1134= (NM_001127511.3); c.3510G>A, p.Gln1170= (NM_001354896.2); c.3486G>A, p.Gln1162= (NM_001354897.2); c.3381G>A, p.Gln1127= (NM_001354898.2); c.3372G>A, p.Gln1124= (NM_001354899.2); c.3333G>A, p.Gln1111= (NM_001354900.2); c.3279G>A, p.Gln1093= (NM_001354901.2); and 5 more.
Identifiers: ClinVar variation 1095422 (VCV001095422.12), dbSNP rs1018434615, ClinGen allele CA445963926.
Genomic context (GRCh38, chr5:112,839,050, plus strand): 5'-AGATGACTATGAAGATGATAAGCCTACCAATTATAGTGAACGTTACTCTGAAGAAGAACA[G>A]CATGAAGAAGAAGAGAGACCAACAAATTATAGCATAAAATATAATGAAGAGAAACGTCAT-3'
Protein context (NP_000029.2, residues 1142-1162): NYSERYSEEE[Gln1152=]HEEEERPTNY